The following is an entry in ClinVar:

NM_006059.4(LAMC3):c.2934C>T (p.His978=)

Gene: LAMC3 (laminin subunit gamma 3; plus strand). Cytogenetic location: 9q34.12.
Variant type: single nucleotide variant.
Coding change: c.2934C>T on transcript NM_006059.4 (MANE Select); coding-DNA position 2934, C replaced by T.
Protein change: p.His978=; no amino-acid change (histidine 978 retained).
Molecular consequence: synonymous variant.
Genome position (GRCh38, 1-based): chr9:131,069,715, C>T. VCF-style: chr9-131069715-C-T. GRCh37 (hg19) VCF-style: chr9-133945102-C-T.
Identifiers: ClinVar variation 1533205 (VCV001533205.31), dbSNP rs1238180726, ClinGen allele CA467399095.

ClinVar aggregate classification (germline): Likely benign. Review status: criteria provided, multiple submitters, no conflicts (2 of 4 stars). 2 submissions from 2 submitters: Likely benign (2). Last evaluated 2024-09-15.

Allele frequency attached by ClinVar (database versions not stated): gnomAD exomes 0.00001; TOPMed 0.00003; gnomAD 0.00005 and 0.00006.
gnomAD v4.1: 29 of 1,604,150 alleles (0.0018%); highest among the groups gnomAD compares: African/African-American, 0.0053%; no homozygotes.

Submissions (2):

Labcorp Genetics (formerly Invitae), Labcorp
Classification: Likely benign. Last evaluated: 2024-09-15. Review status: criteria provided, single submitter. Criteria: Invitae Variant Classification Sherloc (09022015). Collection method: clinical testing. Allele origin: germline.

CeGaT Center for Human Genetics Tuebingen
Classification: Likely benign. Last evaluated: 2023-09-01. Review status: criteria provided, single submitter. Criteria: CeGaT Center For Human Genetics Tuebingen Variant Classification Criteria Version 2. Collection method: clinical testing. Allele origin: germline. Affected: yes. Observed: 1 variant allele.
Comment: LAMC3: BP4, BP7